The following is an entry in ClinVar:

ClinVar aggregate classification (germline): Pathogenic (1 of 4 stars; one submission).

Conditions:
Cerebral cavernous malformation (CCM). Also called: Cerebral cavernous hemangioma (type); Cavernous Hemangioma of Brain; CAVERNOUS ANGIOMA, FAMILIAL; CAVERNOUS ANGIOMATOUS MALFORMATIONS; CEREBRAL CAPILLARY MALFORMATIONS; Cerebral cavernous malformations. Identifiers: Orphanet 221061, MedGen C2919945, MONDO:0000820, OMIM 116860, HP:0033522.

Submission:

Labcorp Genetics (formerly Invitae), Labcorp
Classification: Pathogenic for Cerebral cavernous malformation. Last evaluated: 2024-01-12. Review status: criteria provided, single submitter. Criteria: Invitae Variant Classification Sherloc (09022015). Collection method: clinical testing. Allele origin: unknown.
Comment: A gross deletion of the genomic region encompassing the full coding sequence of the KRIT1 gene has been identified. Loss-of-function variants in KRIT1 are known to be pathogenic (PMID: 10508515, 11222804, 12404106, 24689081). The boundaries of this event are unknown as they extend beyond the assayed region for this gene and therefore may encompass additional genes. A similar copy number variant has been observed in individual(s) with cerebral cavernous maliformation (PMID: 17187287, 17211633, 20798775). For these reasons, this variant has been classified as Pathogenic.

Literature cited by the submitters: PubMed 10508515; PubMed 11222804; PubMed 12404106; PubMed 24689081; PubMed 17187287; PubMed 17211633; PubMed 20798775.

NC_000007.13:g.(?_91502908)_(91871449_?)del

Genes: LRRD1 (leucine rich repeats and death domain containing 1; minus strand), AKAP9 (A-kinase anchoring protein 9; plus strand), CYP51A1 (cytochrome P450 family 51 subfamily A member 1; minus strand), MTERF1 (mitochondrial transcription termination factor 1; minus strand), KRIT1 (KRIT1 ankyrin repeat containing; minus strand) and 1 more. Cytogenetic location: 7q21.2.
Variant type: Deletion.
Identifiers: ClinVar variation 3245752 (VCV003245752.1).